The following is an entry in ClinVar:

GRCh37/hg19 18p11.32-11.31(chr18:1345040-3479168)

Genes: EMILIN2 (elastin microfibril interfacer 2; plus strand), LPIN2 (lipin 2; minus strand), METTL4 (methyltransferase 4, N6-adenosine; minus strand), MYL12A (myosin light chain 12A; plus strand), MYL12B (myosin light chain 12B; plus strand) and 4 more. Cytogenetic location: 18p11.32-11.31.
Variant type: copy number loss.
Identifiers: ClinVar variation 523239 (VCV000523239.2).

ClinVar aggregate classification (germline): no classifications from unflagged records (0 of 4 stars; one submission).

Conditions:
Developmental regression. Also called: C1836830. Identifiers: MedGen C1836830, HP:0002376.
Incomprehensible speech. Identifiers: MedGen C1838027, HP:0002546.
Alopecia areata. Identifiers: MedGen C0002171, MONDO:0005340, HP:0002229.
Stereotypic movement disorder. Also called: Stereotypies; stereotyped movement disorder. Identifiers: MedGen C0038273, MONDO:0002265.
Alopecia. Identifiers: Orphanet 79364, MedGen C0002170, MONDO:0004907, HP:0001596.

Submission:

Centre for Mendelian Genomics, University Medical Centre Ljubljana
Classification: Uncertain significance for Alopecia; Developmental regression; Incomprehensible speech; Motor stereotypies. Last evaluated: 2017-01-01. Review status: flagged submission. Criteria: ACMG Guidelines, 2015. Collection method: clinical testing. Allele origin: unknown. Affected: yes.
ClinVar note: Notes: This submission was flagged because its interpretation of this variant conflicts with the ClinGen Gene Dosage Map curation for the gene TGIF1.
ClinVar note: Reason: Conflict with ClinGen Gene Dosage Map